The following is an entry in ClinVar:

NM_004341.5(CAD):c.4866G>A (p.Leu1622=)

Gene: CAD (carbamoyl-phosphate synthetase 2, aspartate transcarbamylase, and dihydroorotase; plus strand). Cytogenetic location: 2p23.3.
Variant type: single nucleotide variant.
Coding change: c.4866G>A on transcript NM_004341.5 (MANE Select); coding-DNA position 4866, G replaced by A.
Protein change: p.Leu1622=; no amino-acid change (leucine 1622 retained).
Molecular consequence: synonymous variant.
Genome position (GRCh38, 1-based): chr2:27,238,436, G>A. VCF-style: chr2-27238436-G-A. GRCh37 (hg19) VCF-style: chr2-27461304-G-A.
Other names: c.4677G>A, p.Leu1559= (NM_001306079.2).
Identifiers: ClinVar variation 720290 (VCV000720290.35), dbSNP rs113778325, ClinGen allele CA1573687.

ClinVar aggregate classification (germline): Benign/Likely benign. Review status: criteria provided, multiple submitters, no conflicts (2 of 4 stars). 3 submissions from 3 submitters: Benign (1); Likely benign (2). Last evaluated 2026-01-28.

Allele frequency attached by ClinVar (database versions not stated): gnomAD exomes 0.00025 and 0.00043; ExAC 0.00052; TOPMed 0.00165; gnomAD 0.00167 and 0.00168; ESP Exome Variant Server 0.00169; 1000 Genomes Project 0.00200; 1000 Genomes Project 30x 0.00250.
gnomAD v4.1: 651 of 1,572,914 alleles (0.041%); highest among the groups gnomAD compares: African/African-American, 0.63%; 6 homozygotes.

Submissions (3):

Labcorp Genetics (formerly Invitae), Labcorp
Classification: Benign. Last evaluated: 2026-01-28. Review status: criteria provided, single submitter. Criteria: Invitae Variant Classification Sherloc (09022015). Collection method: clinical testing. Allele origin: germline.

CeGaT Center for Human Genetics Tuebingen
Classification: Likely benign. Last evaluated: 2025-10-01. Review status: criteria provided, single submitter. Criteria: CeGaT Center For Human Genetics Tuebingen Variant Classification Criteria Version 2. Collection method: clinical testing. Allele origin: germline. Affected: yes. Observed: 5 variant alleles.
Comment: CAD: BP4, BP7

Blueprint Genetics
Classification: Likely benign. Last evaluated: 2024-11-13. Review status: criteria provided, single submitter. Criteria: ACMG Guidelines, 2015. Collection method: clinical testing. Allele origin: germline.